The following is an entry in ClinVar:

NM_017612.5(ZCCHC8):c.1031G>A (p.Gly344Glu)

Gene: ZCCHC8 (zinc finger CCHC-type containing 8; minus strand). Cytogenetic location: 12q24.31.
Variant type: single nucleotide variant.
Coding change: c.1031G>A on transcript NM_017612.5 (MANE Select); coding-DNA position 1031, G replaced by A.
Protein change: p.Gly344Glu; replaces glycine 344 with glutamic acid.
Molecular consequence: missense variant.
Genome position (GRCh38, 1-based): chr12:122,480,299, C>T on the plus strand (G>A on the coding strand, the complement: ZCCHC8 is on the minus strand). VCF-style: chr12-122480299-C-T. GRCh37 (hg19) VCF-style: chr12-122964846-C-T.
Other names: c.800G>A, p.Gly267Glu (NM_001350935.2); c.734G>A, p.Gly245Glu (NM_001350936.2); c.317G>A, p.Gly106Glu (NM_001350937.2, NM_001350938.2); short protein forms G106E, G245E, G267E, G344E.
Identifiers: ClinVar variation 3615580 (VCV003615580.2).

ClinVar aggregate classification (germline): Uncertain significance (1 of 4 stars; one submission).

Submission:

Labcorp Genetics (formerly Invitae), Labcorp
Classification: Uncertain significance. Last evaluated: 2024-02-03. Review status: criteria provided, single submitter. Criteria: Invitae Variant Classification Sherloc (09022015). Collection method: clinical testing. Allele origin: germline.
Comment: This sequence change replaces glycine, which is neutral and non-polar, with glutamic acid, which is acidic and polar, at codon 344 of the ZCCHC8 protein (p.Gly344Glu). The frequency data for this variant in the population databases is considered unreliable, as metrics indicate poor data quality at this position in the gnomAD database. This variant has not been reported in the literature in individuals affected with ZCCHC8-related conditions. Advanced modeling of protein sequence and biophysical properties (such as structural, functional, and spatial information, amino acid conservation, physicochemical variation, residue mobility, and thermodynamic stability) performed at Invitae indicates that this missense variant is not expected to disrupt ZCCHC8 protein function with a negative predictive value of 80%. In summary, the available evidence is currently insufficient to determine the role of this variant in disease. Therefore, it has been classified as a Variant of Uncertain Significance.